The following is an entry in ClinVar:

ClinVar aggregate classification (germline): Uncertain significance (1 of 4 stars; one submission).

Conditions:
Spastic paraplegia. Identifiers: MedGen C0037772, HP:0001258.

Allele frequency attached by ClinVar (database versions not stated): gnomAD 0.00001; TOPMed 0.00001.
gnomAD v4.1: 1 of 1,603,800 alleles (0.000062%); highest among the groups gnomAD compares: Non-Finnish European, 0.000085%; no homozygotes.

Submission:

Labcorp Genetics (formerly Invitae), Labcorp
Classification: Uncertain significance for Spastic paraplegia. Last evaluated: 2025-10-29. Review status: criteria provided, single submitter. Criteria: Invitae Variant Classification Sherloc (09022015). Collection method: clinical testing. Allele origin: germline.
Comment: This sequence change falls in intron 9 of the KIF5A gene. It does not directly change the encoded amino acid sequence of the KIF5A protein. This variant is not present in population databases (gnomAD no frequency). This variant has not been reported in the literature in individuals affected with KIF5A-related conditions. ClinVar contains an entry for this variant (Variation ID: 1389536). Algorithms developed to predict the effect of sequence changes on RNA splicing suggest that this variant may create or strengthen a splice site. In summary, the available evidence is currently insufficient to determine the role of this variant in disease. Therefore, it has been classified as a Variant of Uncertain Significance.

NM_004984.4(KIF5A):c.819+12T>G

Gene: KIF5A (kinesin family member 5A; plus strand). Cytogenetic location: 12q13.3.
Variant type: single nucleotide variant.
Coding change: c.819+12T>G on transcript NM_004984.4 (MANE Select); 12 bases into the intron after coding-DNA position 819, T replaced by G.
Molecular consequence: intron variant.
Genome position (GRCh38, 1-based): chr12:57,569,079, T>G. VCF-style: chr12-57569079-T-G. GRCh37 (hg19) VCF-style: chr12-57962862-T-G.
Other names: c.552+12T>G (NM_001354705.2).
Identifiers: ClinVar variation 1389536 (VCV001389536.6), dbSNP rs1264041425, ClinGen allele CA690303524.